The following is an entry in ClinVar:

NM_000069.3(CACNA1S):c.4941C>A (p.Phe1647Leu)

Gene: CACNA1S (calcium voltage-gated channel subunit alpha1 S; minus strand). Cytogenetic location: 1q32.1.
Variant type: single nucleotide variant.
Coding change: c.4941C>A on transcript NM_000069.3 (MANE Select); coding-DNA position 4941, C replaced by A.
Protein change: p.Phe1647Leu; replaces phenylalanine 1647 with leucine.
Molecular consequence: missense variant.
Genome position (GRCh38, 1-based): chr1:201,043,388, G>T on the plus strand (C>A on the coding strand, the complement: CACNA1S is on the minus strand). VCF-style: chr1-201043388-G-T. GRCh37 (hg19) VCF-style: chr1-201012516-G-T.
Other names: short protein forms F1647L.
Identifiers: ClinVar variation 2237610 (VCV002237610.7), dbSNP rs960814578, ClinGen allele CA35992692.

ClinVar aggregate classification (germline): Uncertain significance. Review status: criteria provided, multiple submitters, no conflicts (2 of 4 stars). 4 submissions from 4 submitters: Uncertain significance (4). Last evaluated 2024-05-01.

Conditions:
Congenital myopathy 18. Also called: DIHYDROPYRIDINE RECEPTOR CONGENITAL MYOPATHY; DHPR CONGENITAL MYOPATHY; Myopathy, congenital, due to dihydropyridine receptor defect. Identifiers: MedGen C5830283, MONDO:0859514, OMIM 620246.
Hypokalemic periodic paralysis, type 1. Also called: Hypokalemic Periodic Paralysis Type 1 (AD); HypoPP. Identifiers: Orphanet 681, MedGen C3714580, MONDO:0042979, OMIM 170400.
Malignant hyperthermia, susceptibility to, 5 (MHS5). Also called: CACNA1S-Related Malignant Hyperthermia Susceptibility. Identifiers: Orphanet 423, MedGen C1866077, MONDO:0011163, OMIM 601887.
Thyrotoxic periodic paralysis, susceptibility to, 1 (TTPP1). Identifiers: Orphanet 79102, MedGen C2749982, MONDO:0008570, OMIM 188580.
Inborn genetic diseases. Identifiers: MedGen C0950123, MeSH D030342.

Allele frequency attached by ClinVar (database versions not stated): gnomAD 0.00001; TOPMed 0.00001.
gnomAD v4.1: 2 of 1,614,062 alleles (0.00012%); highest among the groups gnomAD compares: African/African-American, 0.0027%; no homozygotes.

Submissions (4):

Fulgent Genetics
Classification: Uncertain significance for Hypokalemic periodic paralysis, type 1; Thyrotoxic periodic paralysis, susceptibility to, 1; Malignant hyperthermia, susceptibility to, 5; Congenital myopathy 18. Last evaluated: 2024-05-01. Review status: criteria provided, single submitter. Criteria: ACMG Guidelines, 2015. Collection method: clinical testing. Allele origin: germline.

All of Us Research Program, National Institutes of Health
Classification: Uncertain significance for Malignant hyperthermia, susceptibility to, 5. Last evaluated: 2024-03-24. Review status: criteria provided, single submitter. Criteria: ACMG Guidelines, 2015. Collection method: clinical testing. Allele origin: germline. Inheritance: Autosomal dominant inheritance. Observed: 1 variant allele, 1 heterozygote.
Comment: This missense variant replaces phenylalanine with leucine at codon 1647 of the CACNA1S protein. Computational prediction suggests that this variant may not impact protein structure and function (internally defined REVEL score threshold <= 0.5, PMID: 27666373). To our knowledge, functional studies have not been reported for this variant. This variant has not been reported in individuals affected with CACNA1S-related disorders in the literature. This variant has not been identified in the general population by the Genome Aggregation Database (gnomAD). The available evidence is insufficient to determine the role of this variant in disease conclusively. Therefore, this variant is classified as a Variant of Uncertain Significance.

This study involves interpretation of variants in research participants for the purpose of population health screening. Participant phenotype was not available at the time of variant classification. Additional details can be found in publication PMID: 35346344, PMCID: PMC8962531

Labcorp Genetics (formerly Invitae), Labcorp
Classification: Uncertain significance for Hypokalemic periodic paralysis, type 1; Malignant hyperthermia, susceptibility to, 5. Last evaluated: 2023-05-02. Review status: criteria provided, single submitter. Criteria: Invitae Variant Classification Sherloc (09022015). Collection method: clinical testing. Allele origin: germline.
Comment: ClinVar contains an entry for this variant (Variation ID: 2237610). In summary, the available evidence is currently insufficient to determine the role of this variant in disease. Therefore, it has been classified as a Variant of Uncertain Significance. Advanced modeling of protein sequence and biophysical properties (such as structural, functional, and spatial information, amino acid conservation, physicochemical variation, residue mobility, and thermodynamic stability) performed at Invitae indicates that this missense variant is not expected to disrupt CACNA1S protein function. This variant has not been reported in the literature in individuals affected with CACNA1S-related conditions. This variant is not present in population databases (gnomAD no frequency). This sequence change replaces phenylalanine, which is neutral and non-polar, with leucine, which is neutral and non-polar, at codon 1647 of the CACNA1S protein (p.Phe1647Leu).

Ambry Genetics
Classification: Uncertain significance for Inborn genetic diseases. Last evaluated: 2021-07-14. Review status: criteria provided, single submitter. Criteria: Ambry Variant Classification Scheme 2023. Collection method: clinical testing. Allele origin: germline.